The following is an entry in ClinVar:

NM_002439.5(MSH3):c.2395C>G (p.Leu799Val)

Gene: MSH3 (mutS homolog 3; plus strand). Cytogenetic location: 5q14.1.
Variant type: single nucleotide variant.
Coding change: c.2395C>G on transcript NM_002439.5 (MANE Select); coding-DNA position 2395, C replaced by G.
Protein change: p.Leu799Val; replaces leucine 799 with valine.
Molecular consequence: missense variant.
Genome position (GRCh38, 1-based): chr5:80,778,796, C>G. VCF-style: chr5-80778796-C-G. GRCh37 (hg19) VCF-style: chr5-80074615-C-G.
Other names: short protein forms L799V.
Identifiers: ClinVar variation 834101 (VCV000834101.12), dbSNP rs1430308910, ClinGen allele CA360281856.
Genomic context (GRCh38, chr5:80,778,796, plus strand): 5'-CGCTTTCACTCTCCTTTTATTGTAGAAAATTACAGACATCTGAATCAGCTCCGGGAGCAG[C>G]TAGTCCTTGACTGCAGTGCTGAATGGCTTGATTTTCTAGAGTGAGTTTACAATGAAAAAA-3'
Protein context (NP_002430.3, residues 789-809): YRHLNQLREQ[Leu799Val]VLDCSAEWLD

ClinVar aggregate classification (germline): Uncertain significance. Review status: criteria provided, multiple submitters, no conflicts (2 of 4 stars). 3 submissions from 3 submitters: Uncertain significance (3). Last evaluated 2025-09-14.

Conditions:
Hereditary cancer-predisposing syndrome. Also called: Hereditary neoplastic syndrome; Neoplastic Syndromes, Hereditary; Tumor predisposition; Hereditary Cancer Syndrome. Identifiers: Orphanet 140162, MedGen C0027672, MeSH D009386, MONDO:0015356.

Allele frequency attached by ClinVar (database versions not stated): gnomAD exomes below 0.00001.

Submissions (3):

Labcorp Genetics (formerly Invitae), Labcorp
Classification: Uncertain significance. Last evaluated: 2025-09-14. Review status: criteria provided, single submitter. Criteria: Invitae Variant Classification Sherloc (09022015). Collection method: clinical testing. Allele origin: germline.
Comment: This sequence change replaces leucine, which is neutral and non-polar, with valine, which is neutral and non-polar, at codon 799 of the MSH3 protein (p.Leu799Val). This variant is present in population databases (no rsID available, gnomAD 0.003%). This variant has not been reported in the literature in individuals affected with MSH3-related conditions. ClinVar contains an entry for this variant (Variation ID: 834101). An algorithm developed to predict the effect of missense changes on protein structure and function (PolyPhen-2) suggests that this variant is likely to be disruptive. RNA analysis performed to evaluate the impact of this missense change on mRNA splicing indicates it does not significantly alter splicing (internal data). In summary, the available evidence is currently insufficient to determine the role of this variant in disease. Therefore, it has been classified as a Variant of Uncertain Significance.

Ambry Genetics
Classification: Uncertain significance for Hereditary cancer-predisposing syndrome. Last evaluated: 2024-07-11. Review status: criteria provided, single submitter. Criteria: Ambry Variant Classification Scheme 2023. Collection method: clinical testing. Allele origin: germline.
Comment: The p.L799V variant (also known as c.2395C>G), located in coding exon 17 of the MSH3 gene, results from a C to G substitution at nucleotide position 2395. The leucine at codon 799 is replaced by valine, an amino acid with highly similar properties. This amino acid position is highly conserved in available vertebrate species. In addition, the in silico prediction for this alteration is inconclusive. Since supporting evidence is limited at this time, the clinical significance of this alteration remains unclear.

GeneDx
Classification: Uncertain significance. Last evaluated: 2022-03-30. Review status: criteria provided, single submitter. Criteria: GeneDx Variant Classification Process June 2021. Collection method: clinical testing. Allele origin: germline. Affected: yes.
Comment: Not observed at significant frequency in large population cohorts (gnomAD); In silico analysis suggests this variant may impact gene splicing; in the absence of RNA/functional studies, the actual effect of this sequence change is unknown; In silico analysis supports that this missense variant has a deleterious effect on protein structure/function; Has not been previously published as pathogenic or benign to our knowledge; Variants in candidate genes are classified as variants of uncertain significance in accordance with ACMG guidelines (Richards 2015)